The following is an entry in ClinVar:

ClinVar aggregate classification (germline): Benign. Review status: criteria provided, multiple submitters, no conflicts (2 of 4 stars). 2 submissions from 2 submitters: Benign (2). Last evaluated 2018-06-14.

Allele frequency attached by ClinVar (database versions not stated): gnomAD 0.30765 and 0.31157; TOPMed 0.31479; 1000 Genomes Project 0.33367; 1000 Genomes Project 30x 0.33557.
gnomAD v4.1: 46,685 of 152,056 alleles (31%); highest among the groups gnomAD compares: African/African-American, 44%; 7,747 homozygotes.

Submissions (2):

GeneDx
Classification: Benign. Last evaluated: 2018-06-14. Review status: criteria provided, single submitter. Criteria: GeneDx Variant Classification (06012015). Collection method: clinical testing. Allele origin: germline. Affected: yes.
Comment: This variant is considered likely benign or benign based on one or more of the following criteria: it is a conservative change, it occurs at a poorly conserved position in the protein, it is predicted to be benign by multiple in silico algorithms, and/or has population frequency not consistent with disease.

Breakthrough Genomics
Classification: Benign. Review status: criteria provided, single submitter. Criteria: ACMG Guidelines, 2015. Collection method: not provided. Allele origin: germline. Inheritance: Autosomal recessive inheritance. Affected: yes.

NM_002633.3(PGM1):c.1600-278G>T

Gene: PGM1 (phosphoglucomutase 1; plus strand). Cytogenetic location: 1p31.3.
Variant type: single nucleotide variant.
Coding change: c.1600-278G>T on transcript NM_002633.3 (MANE Select); 278 bases into the intron before coding-DNA position 1600, G replaced by T.
Molecular consequence: intron variant.
Genome position (GRCh38, 1-based): chr1:63,659,308, G>T. VCF-style: chr1-63659308-G-T. GRCh37 (hg19) VCF-style: chr1-64124979-G-T.
Other names: c.1009-278G>T (NM_001172819.2); c.1654-278G>T (NM_001172818.1).
Identifiers: ClinVar variation 669652 (VCV000669652.2), dbSNP rs2749100, ClinGen allele CA10880033.